The following is an entry in ClinVar:

NM_000545.8(HNF1A):c.1062G>A (p.Thr354=)

Gene: HNF1A (HNF1 homeobox A; plus strand). Cytogenetic location: 12q24.31.
Variant type: single nucleotide variant.
Coding change: c.1062G>A on transcript NM_000545.8 (MANE Select); coding-DNA position 1062, G replaced by A.
Protein change: p.Thr354=; no amino-acid change (threonine 354 retained).
Molecular consequence: synonymous variant.
Genome position (GRCh38, 1-based): chr12:120,996,368, G>A. VCF-style: chr12-120996368-G-A. GRCh37 (hg19) VCF-style: chr12-121434171-G-A.
Other names: c.1062G>A, p.Thr354= (NM_001306179.2, NM_001406915.1).
Identifiers: ClinVar variation 3709122 (VCV003709122.3).

ClinVar aggregate classification (germline): Benign/Likely benign. Review status: criteria provided, multiple submitters, no conflicts (2 of 4 stars). 2 submissions from 2 submitters: Benign (1); Likely benign (1). Last evaluated 2025-11-06.

gnomAD v4.1: 30 of 1,614,030 alleles (0.0019%); highest among the groups gnomAD compares: Admixed American, 0.022%; no homozygotes.

Submissions (2):

Labcorp Genetics (formerly Invitae), Labcorp
Classification: Likely benign. Last evaluated: 2025-11-06. Review status: criteria provided, single submitter. Criteria: Invitae Variant Classification Sherloc (09022015). Collection method: clinical testing. Allele origin: germline.

Women's Health and Genetics/Laboratory Corporation of America, LabCorp
Classification: Benign. Last evaluated: 2024-12-10. Review status: criteria provided, single submitter. Criteria: LabCorp Variant Classification Summary - May 2015. Collection method: clinical testing. Allele origin: germline.
Comment: Variant summary: HNF1A c.1062G>A results in a synonymous change. Consensus agreement among computation tools predict no significant impact on normal splicing (TrAP). However, these predictions have yet to be confirmed by functional studies. The variant allele was found at a frequency of 4.8e-05 in 251392 control chromosomes. The observed variant frequency is approximately 1.91 fold of the estimated maximal expected allele frequency for a pathogenic variant in HNF1A causing Maturity Onset Diabetes Of The Young 3 phenotype (2.5e-05). To our knowledge, no occurrence of c.1062G>A in individuals affected with Maturity Onset Diabetes Of The Young 3 and no experimental evidence demonstrating its impact on protein function have been reported. No submitters have cited clinical-significance assessments for this variant to ClinVar. Based on the evidence outlined above, the variant was classified as benign.